The following is an entry in ClinVar:

NM_001077350.3(NPRL3):c.1334T>C (p.Leu445Pro)

Genes: HBA-LCR (alpha-globin locus control region; plus strand), NPRL3 (NPR3 like, GATOR1 complex subunit; minus strand). Cytogenetic location: 16p13.3.
Variant type: single nucleotide variant.
Coding change: c.1334T>C on transcript NM_001077350.3 (MANE Select); coding-DNA position 1334, T replaced by C.
Protein change: p.Leu445Pro; replaces leucine 445 with proline.
Molecular consequence: missense variant.
Genome position (GRCh38, 1-based): chr16:89,730, A>G on the plus strand (T>C on the coding strand, the complement: NPRL3 is on the minus strand). VCF-style: chr16-89730-A-G. GRCh37 (hg19) VCF-style: chr16-139728-A-G.
Other names: c.1334T>C (NM_001077350.2); c.797T>C, p.Leu266Pro (NM_001039476.3); c.1100T>C, p.Leu367Pro (NM_001243247.2); c.1259T>C, p.Leu420Pro (NM_001243248.2, NM_001243249.2); short protein forms L367P, L420P, L445P, L266P.
Identifiers: ClinVar variation 2897124 (VCV002897124.5), dbSNP rs1898675576, ClinGen allele CA394050555.

ClinVar aggregate classification (germline): Uncertain significance. Review status: criteria provided, multiple submitters, no conflicts (2 of 4 stars). 2 submissions from 2 submitters: Uncertain significance (2). Last evaluated 2025-12-17.

Conditions:
Epilepsy, familial focal, with variable foci 3 (FFEVF3). Identifiers: MedGen C4310708, MONDO:0014925, OMIM 617118.

Allele frequency attached by ClinVar (database versions not stated): gnomAD exomes below 0.00001; TOPMed 0.00001.
gnomAD v4.1: 1 of 1,582,290 alleles (0.000063%); highest among the groups gnomAD compares: Admixed American, 0.0018%; no homozygotes.

Submissions (2):

GeneDx
Classification: Uncertain significance. Last evaluated: 2025-12-17. Review status: criteria provided, single submitter. Criteria: GeneDx Variant Classification Process June 2021. Collection method: clinical testing. Allele origin: germline.
Comment: Not observed at significant frequency in large population cohorts (gnomAD); In silico analysis supports that this missense variant has a deleterious effect on protein structure/function; Has not been previously published as pathogenic or benign to our knowledge

Labcorp Genetics (formerly Invitae), Labcorp
Classification: Uncertain significance for Epilepsy, familial focal, with variable foci 3. Last evaluated: 2025-09-02. Review status: criteria provided, single submitter. Criteria: Invitae Variant Classification Sherloc (09022015). Collection method: clinical testing. Allele origin: germline.
Comment: This sequence change replaces leucine, which is neutral and non-polar, with proline, which is neutral and non-polar, at codon 445 of the NPRL3 protein (p.Leu445Pro). This variant is not present in population databases (gnomAD no frequency). This variant has not been reported in the literature in individuals affected with NPRL3-related conditions. ClinVar contains an entry for this variant (Variation ID: 2897124). Invitae Evidence Modeling of protein sequence and biophysical properties (such as structural, functional, and spatial information, amino acid conservation, physicochemical variation, residue mobility, and thermodynamic stability) indicates that this missense variant is not expected to disrupt NPRL3 protein function with a negative predictive value of 80%. In summary, the available evidence is currently insufficient to determine the role of this variant in disease. Therefore, it has been classified as a Variant of Uncertain Significance.